The following is an entry in ClinVar:

ClinVar aggregate classification (germline): Uncertain significance (1 of 4 stars; one submission).

Allele frequency attached by ClinVar (database versions not stated): ExAC 0.00002; gnomAD 0.00002; TOPMed 0.00002; gnomAD exomes 0.00003.
gnomAD v4.1: 51 of 1,614,052 alleles (0.0032%); highest among the groups gnomAD compares: Middle Eastern, 0.049%; no homozygotes.

Submission:

Labcorp Genetics (formerly Invitae), Labcorp
Classification: Uncertain significance. Last evaluated: 2022-09-13. Review status: criteria provided, single submitter. Criteria: Invitae Variant Classification Sherloc (09022015). Collection method: clinical testing. Allele origin: germline.
Comment: In summary, the available evidence is currently insufficient to determine the role of this variant in disease. Therefore, it has been classified as a Variant of Uncertain Significance. Algorithms developed to predict the effect of missense changes on protein structure and function are either unavailable or do not agree on the potential impact of this missense change (SIFT: "Deleterious"; PolyPhen-2: "Benign"; Align-GVGD: "Class C65"). ClinVar contains an entry for this variant (Variation ID: 1509403). This variant has not been reported in the literature in individuals affected with LAMB1-related conditions. This variant is present in population databases (rs772617267, gnomAD 0.009%). This sequence change replaces aspartic acid, which is acidic and polar, with glycine, which is neutral and non-polar, at codon 1232 of the LAMB1 protein (p.Asp1232Gly).

NM_002291.3(LAMB1):c.3695A>G (p.Asp1232Gly)

Gene: LAMB1 (laminin subunit beta 1; minus strand). Cytogenetic location: 7q31.1.
Variant type: single nucleotide variant.
Coding change: c.3695A>G on transcript NM_002291.3 (MANE Select); coding-DNA position 3695, A replaced by G.
Protein change: p.Asp1232Gly; replaces aspartic acid 1232 with glycine.
Molecular consequence: missense variant.
Genome position (GRCh38, 1-based): chr7:107,940,055, T>C on the plus strand (A>G on the coding strand, the complement: LAMB1 is on the minus strand). VCF-style: chr7-107940055-T-C. GRCh37 (hg19) VCF-style: chr7-107580500-T-C.
Other names: short protein forms D1232G.
Identifiers: ClinVar variation 1509403 (VCV001509403.8), dbSNP rs772617267, ClinGen allele CA4435252.
Genomic context (GRCh38, chr7:107,940,055, plus strand): 5'-TCCTCAAAGAGATTCCCAATGTTTTTCAGTGGCTCTGCTGCGGGGCTCTGCGCCAGGATG[T>C]CTTTTATCTCGCTGACTTTCCTCTCCACCGAGTCCACAGTCTCACGGTAAGGCCCGATCA-3'
Protein context (NP_002282.2, residues 1222-1242): SVERKVSEIK[Asp1232Gly]ILAQSPAAEP